The following is an entry in ClinVar:

ClinVar aggregate classification (germline): Conflicting classifications of pathogenicity. Review status: criteria provided, conflicting classifications (1 of 4 stars). 3 submissions from 3 submitters: Uncertain significance (2); Likely benign (1). Last evaluated 2025-11-05.

Conditions:
Polyps, multiple and recurrent inflammatory fibroid, gastrointestinal. Identifiers: MedGen C5193005, MONDO:0008285, OMIM 175510.
Hereditary cancer-predisposing syndrome. Also called: Hereditary Cancer Syndrome; Hereditary neoplastic syndrome; Neoplastic Syndromes, Hereditary; Tumor predisposition. Identifiers: Orphanet 140162, MedGen C0027672, MeSH D009386, MONDO:0015356.
Gastrointestinal stromal tumor. Also called: Gastrointestinal stroma tumor; Gastrointestinal stromal tumor, somatic. Identifiers: Orphanet 44890, MedGen C0238198, MeSH D046152, MONDO:0011719, OMIM 606764, HP:0100723.

gnomAD v4.1: 2 of 1,612,498 alleles (0.00012%); highest among the groups gnomAD compares: East Asian, 0.0022%; no homozygotes.

Submissions (3):

Labcorp Genetics (formerly Invitae), Labcorp
Classification: Uncertain significance for Gastrointestinal stromal tumor. Last evaluated: 2025-11-05. Review status: criteria provided, single submitter. Criteria: Invitae Variant Classification Sherloc (09022015). Collection method: clinical testing. Allele origin: germline.
Comment: This sequence change replaces arginine, which is basic and polar, with proline, which is neutral and non-polar, at codon 981 of the PDGFRA protein (p.Arg981Pro). This variant is present in population databases (rs368266633, gnomAD 0.01%). This variant has not been reported in the literature in individuals affected with PDGFRA-related conditions. ClinVar contains an entry for this variant (Variation ID: 2151718). Invitae Evidence Modeling of protein sequence and biophysical properties (such as structural, functional, and spatial information, amino acid conservation, physicochemical variation, residue mobility, and thermodynamic stability) indicates that this missense variant is not expected to disrupt PDGFRA protein function with a negative predictive value of 80%. In summary, the available evidence is currently insufficient to determine the role of this variant in disease. Therefore, it has been classified as a Variant of Uncertain Significance.

Ambry Genetics
Classification: Likely benign for Hereditary cancer-predisposing syndrome. Last evaluated: 2024-08-20. Review status: criteria provided, single submitter. Criteria: Ambry Variant Classification Scheme 2023. Collection method: clinical testing. Allele origin: germline.

Baylor Genetics
Classification: Uncertain significance for Polyps, multiple and recurrent inflammatory fibroid, gastrointestinal. Last evaluated: 2023-07-11. Review status: criteria provided, single submitter. Criteria: ACMG Guidelines, 2015. Collection method: clinical testing. Allele origin: unknown.

NM_006206.6(PDGFRA):c.2942G>C (p.Arg981Pro)

Gene: PDGFRA (platelet derived growth factor receptor alpha; plus strand). Cytogenetic location: 4q12.
Variant type: single nucleotide variant.
Coding change: c.2942G>C on transcript NM_006206.6 (MANE Select); coding-DNA position 2942, G replaced by C.
Protein change: p.Arg981Pro; replaces arginine 981 with proline.
Molecular consequence: missense variant.
Genome position (GRCh38, 1-based): chr4:54,290,374, G>C. VCF-style: chr4-54290374-G-C. GRCh37 (hg19) VCF-style: chr4-55156541-G-C.
Other names: c.3017G>C, p.Arg1006Pro (NM_001347828.2); c.2942G>C, p.Arg981Pro (NM_001347829.2); c.2981G>C, p.Arg994Pro (NM_001347830.2); short protein forms R1006P, R981P, R994P.
Identifiers: ClinVar variation 2151718 (VCV002151718.6), dbSNP rs368266633, ClinGen allele CA2922996.